The following is an entry in ClinVar:

NM_016373.4(WWOX):c.1103T>G (p.Leu368Arg)

Genes: MAF (MAF bZIP transcription factor; minus strand), WWOX (WW domain containing oxidoreductase; plus strand). Cytogenetic location: 16q23.2.
Variant type: single nucleotide variant.
Coding change: c.1103T>G on transcript NM_016373.4 (MANE Select); coding-DNA position 1103, T replaced by G.
Protein change: p.Leu368Arg; replaces leucine 368 with arginine.
Molecular consequence: missense variant.
Genome position (GRCh38, 1-based): chr16:79,211,654, T>G. VCF-style: chr16-79211654-T-G. GRCh37 (hg19) VCF-style: chr16-79245551-T-G.
Other names: c.764T>G, p.Leu255Arg (NM_001291997.2); short protein forms L255R, L368R.
Identifiers: ClinVar variation 1975886 (VCV001975886.5), dbSNP rs1188884174, ClinGen allele CA396537043.
Genomic context (GRCh38, chr16:79,211,654, plus strand): 5'-TCTTGGATTTCCAGCAACAGGGAGCTGCCACCACCGTGTACTGTGCTGCTGTCCCAGAAC[T>G]GGAGGGTCTGGGAGGGATGTACTTCAACAACTGCTGCCGCTGCATGCCCTCACCAGAAGC-3'
Protein context (NP_057457.1, residues 358-378): TTVYCAAVPE[Leu368Arg]EGLGGMYFNN

ClinVar aggregate classification (germline): Uncertain significance (1 of 4 stars; one submission).

Conditions:
Autosomal recessive spinocerebellar ataxia 12. Also called: SPINOCEREBELLAR ATAXIA WITH MENTAL RETARDATION AND EPILEPSY. Identifiers: Orphanet 284282, MedGen C3280452, MONDO:0013687, OMIM 614322.
Developmental and epileptic encephalopathy, 1 (DEE1). Also called: X-linked infantile spasms; West's syndrome; Tonic spasms with clustering, arrest of psychomotor development and hypsarrhythmia on EEG; X-Linked Infantile Spasm Syndrome; OHTAHARA SYNDROME, X-LINKED; Epileptic encephalopathy, early infantile, 1. Identifiers: MedGen C3463992, MONDO:0010632, OMIM 308350. Disease mechanism: loss of function.

Allele frequency attached by ClinVar (database versions not stated): TOPMed below 0.00001.

Submission:

Labcorp Genetics (formerly Invitae), Labcorp
Classification: Uncertain significance for Developmental and epileptic encephalopathy, 1; Autosomal recessive spinocerebellar ataxia 12. Last evaluated: 2022-03-18. Review status: criteria provided, single submitter. Criteria: Invitae Variant Classification Sherloc (09022015). Collection method: clinical testing. Allele origin: germline.
Comment: This sequence change replaces leucine, which is neutral and non-polar, with arginine, which is basic and polar, at codon 368 of the WWOX protein (p.Leu368Arg). This variant is not present in population databases (gnomAD no frequency). This variant has not been reported in the literature in individuals affected with WWOX-related conditions. Algorithms developed to predict the effect of missense changes on protein structure and function are either unavailable or do not agree on the potential impact of this missense change (SIFT: "Not Available"; PolyPhen-2: "Possibly Damaging"; Align-GVGD: "Not Available"). In summary, the available evidence is currently insufficient to determine the role of this variant in disease. Therefore, it has been classified as a Variant of Uncertain Significance.